The following is an entry in ClinVar:

ClinVar aggregate classification (germline): Benign/Likely benign. Review status: criteria provided, multiple submitters, no conflicts (2 of 4 stars). 3 submissions from 3 submitters: Benign (1); Likely benign (2). Last evaluated 2026-09-14.

Conditions:
Colorectal cancer, hereditary nonpolyposis, type 7. Identifiers: Orphanet 144, MedGen C1858380, MONDO:0013725, OMIM 614385.

Allele frequency attached by ClinVar (database versions not stated): gnomAD exomes below 0.00001.
gnomAD v4.1: 2 of 1,614,166 alleles (0.00012%); highest among the groups gnomAD compares: Non-Finnish European, 0.00017%; no homozygotes.

Submissions (3):

Myriad Genetics, Inc.
Classification: Benign for Colorectal cancer, hereditary nonpolyposis, type 7. Last evaluated: 2026-09-14. Review status: criteria provided, single submitter. Criteria: Myriad Autosomal Dominant, Autosomal Recessive and X-Linked Classification Criteria (2023). Collection method: clinical testing. Allele origin: unknown.
Comment: This variant is considered benign. This variant is a silent/synonymous amino acid change and it is not expected to impact splicing.

Ambry Genetics
Classification: Likely benign. Last evaluated: 2023-09-28. Review status: criteria provided, single submitter. Criteria: Ambry Variant Classification Scheme 2023. Collection method: clinical testing. Allele origin: germline.

Labcorp Genetics (formerly Invitae), Labcorp
Classification: Likely benign for Colorectal cancer, hereditary nonpolyposis, type 7. Last evaluated: 2019-10-14. Review status: criteria provided, single submitter. Criteria: Invitae Variant Classification Sherloc (09022015). Collection method: clinical testing. Allele origin: germline.

NM_001040108.2(MLH3):c.96C>T (p.Asn32=)

Gene: MLH3 (mutL homolog 3; minus strand). Cytogenetic location: 14q24.3.
Variant type: single nucleotide variant.
Coding change: c.96C>T on transcript NM_001040108.2 (MANE Select); coding-DNA position 96, C replaced by T.
Protein change: p.Asn32=; no amino-acid change (asparagine 32 retained).
Molecular consequence: synonymous variant.
Genome position (GRCh38, 1-based): chr14:75,049,560, G>A on the plus strand (C>T on the coding strand, the complement: MLH3 is on the minus strand). VCF-style: chr14-75049560-G-A. GRCh37 (hg19) VCF-style: chr14-75516263-G-A.
Other names: c.96C>T (NM_001040108.1); c.96C>T, p.Asn32= (NM_014381.3).
Identifiers: ClinVar variation 1143431 (VCV001143431.11), dbSNP rs2139613729, ClinGen allele CA487274453.